The following is an entry in ClinVar:

NM_030973.4(MED25):c.131T>G (p.Ile44Ser)

Gene: MED25 (mediator complex subunit 25; plus strand). Cytogenetic location: 19q13.33.
Variant type: single nucleotide variant.
Coding change: c.131T>G on transcript NM_030973.4 (MANE Select); coding-DNA position 131, T replaced by G.
Protein change: p.Ile44Ser; replaces isoleucine 44 with serine.
Molecular consequence: missense variant.
Genome position (GRCh38, 1-based): chr19:49,818,472, T>G. VCF-style: chr19-49818472-T-G. GRCh37 (hg19) VCF-style: chr19-50321729-T-G.
Other names: c.131T>G, p.Ile44Ser (NM_001378355.1); short protein forms I44S.
Identifiers: ClinVar variation 1502815 (VCV001502815.5), dbSNP rs376462101, ClinGen allele CA9584699.

ClinVar aggregate classification (germline): Uncertain significance (1 of 4 stars; one submission).

Conditions:
Charcot-Marie-Tooth disease type 2. Also called: Charcot-Marie-Tooth type 2. Identifiers: Orphanet 64746, MedGen C0270914, MONDO:0018993.

Allele frequency attached by ClinVar (database versions not stated): TOPMed 0.00001; gnomAD exomes 0.00002; gnomAD 0.00002; ESP Exome Variant Server 0.00008; ExAC 0.00003.

Submission:

Labcorp Genetics (formerly Invitae), Labcorp
Classification: Uncertain significance for Charcot-Marie-Tooth disease type 2. Last evaluated: 2021-08-14. Review status: criteria provided, single submitter. Criteria: Invitae Variant Classification Sherloc (09022015). Collection method: clinical testing. Allele origin: germline.
Comment: This sequence change replaces isoleucine with serine at codon 44 of the MED25 protein (p.Ile44Ser). The isoleucine residue is moderately conserved and there is a large physicochemical difference between isoleucine and serine. This variant is present in population databases (rs376462101, ExAC 0.006%). This variant has not been reported in the literature in individuals affected with MED25-related conditions. Algorithms developed to predict the effect of missense changes on protein structure and function are either unavailable or do not agree on the potential impact of this missense change (SIFT: "Tolerated"; PolyPhen-2: "Probably Damaging"; Align-GVGD: "Class C0"). Algorithms developed to predict the effect of sequence changes on RNA splicing suggest that this variant may create or strengthen a splice site. In summary, the available evidence is currently insufficient to determine the role of this variant in disease. Therefore, it has been classified as a Variant of Uncertain Significance.